The following is an entry in ClinVar:

NM_018076.5(ODAD2):c.575+3G>T

Gene: ODAD2 (outer dynein arm docking complex subunit 2; minus strand). Cytogenetic location: 10p12.1.
Variant type: single nucleotide variant.
Coding change: c.575+3G>T on transcript NM_018076.5 (MANE Select); 3 bases into the intron after coding-DNA position 575, G replaced by T.
Molecular consequence: intron variant.
Genome position (GRCh38, 1-based): chr10:27,985,016, C>A on the plus strand (G>T on the coding strand, the complement: ODAD2 is on the minus strand). VCF-style: chr10-27985016-C-A. GRCh37 (hg19) VCF-style: chr10-28273945-C-A.
Other names: c.575+3G>T (NM_001290020.2).
Identifiers: ClinVar variation 4741479 (VCV004741479.1).
Genomic context (GRCh38, chr10:27,985,016, plus strand): 5'-CTGGAGTTCAGTGGTGCAATCTTGGCTCAATACAATAGAGGTTCCTTTTTGAAAAAGACT[C>A]ACAATGAAATATGTTTTAGAGAATGATTGAGGAGGTGCAGATCCAATTGCTTAAGCAGCA-3'

ClinVar aggregate classification (germline): Uncertain significance (1 of 4 stars; one submission).

Conditions:
Primary ciliary dyskinesia 23 (CILD23). Also called: CILIARY DYSKINESIA, PRIMARY, 23, WITH OR WITHOUT SITUS INVERSUS. Identifiers: Orphanet 244, MedGen C3809548, MONDO:0014193, OMIM 615451.

Submission:

Labcorp Genetics (formerly Invitae), Labcorp
Classification: Uncertain significance for Primary ciliary dyskinesia 23. Last evaluated: 2026-01-11. Review status: criteria provided, single submitter. Criteria: Invitae Variant Classification Sherloc (09022015). Collection method: clinical testing. Allele origin: germline.
Comment: This sequence change falls in intron 4 of the ARMC4 gene. It does not directly change the encoded amino acid sequence of the ARMC4 protein. It affects a nucleotide within the consensus splice site. This variant is not present in population databases (gnomAD no frequency). This variant has not been reported in the literature in individuals affected with ARMC4-related conditions. Variants that disrupt the consensus splice site are a relatively common cause of aberrant splicing (PMID: 17576681, 9536098). Algorithms developed to predict the effect of sequence changes on RNA splicing suggest that this variant may disrupt the consensus splice site. In summary, the available evidence is currently insufficient to determine the role of this variant in disease. Therefore, it has been classified as a Variant of Uncertain Significance.

Literature cited by the submitters: PubMed 17576681; PubMed 9536098.